The following is an entry in ClinVar:

ClinVar aggregate classification (germline): Uncertain significance (1 of 4 stars; one submission).

Conditions:
Hereditary cancer-predisposing syndrome. Also called: Neoplastic Syndromes, Hereditary; Hereditary neoplastic syndrome; Tumor predisposition; Hereditary Cancer Syndrome. Identifiers: Orphanet 140162, MedGen C0027672, MeSH D009386, MONDO:0015356.

Submission:

Ambry Genetics
Classification: Uncertain significance for Hereditary cancer-predisposing syndrome. Last evaluated: 2026-02-23. Review status: criteria provided, single submitter. Criteria: Ambry Variant Classification Scheme 2023. Collection method: clinical testing. Allele origin: germline.
Comment: The c.788-5T>G intronic variant results from a T to G substitution 5 nucleotides upstream from coding exon 3 in the ALK gene. This nucleotide position is highly conserved in available vertebrate species. In silico splice site analysis predicts that this alteration will not have any significant effect on splicing. Based on the available evidence, the clinical significance of this variant remains unclear.

NM_004304.5(ALK):c.788-5T>G

Gene: ALK (ALK receptor tyrosine kinase; minus strand). Cytogenetic location: 2p23.2.
Variant type: single nucleotide variant.
Coding change: c.788-5T>G on transcript NM_004304.5 (MANE Select); 5 bases into the intron before coding-DNA position 788, T replaced by G.
Molecular consequence: intron variant.
Genome position (GRCh38, 1-based): chr2:29,695,019, A>C on the plus strand (T>G on the coding strand, the complement: ALK is on the minus strand). VCF-style: chr2-29695019-A-C. GRCh37 (hg19) VCF-style: chr2-29917885-A-C.
Identifiers: ClinVar variation 4824824 (VCV004824824.1).